The following is an entry in ClinVar:

ClinVar aggregate classification (germline): Pathogenic (1 of 4 stars; one submission).

Submission:

Labcorp Genetics (formerly Invitae), Labcorp
Classification: Pathogenic. Last evaluated: 2025-05-22. Review status: criteria provided, single submitter. Criteria: Invitae Variant Classification Sherloc (09022015). Collection method: clinical testing. Allele origin: germline.
Comment: This sequence change creates a premature translational stop signal (p.Thr498Hisfs*59) in the TMPRSS15 gene. It is expected to result in an absent or disrupted protein product. Loss-of-function variants in TMPRSS15 are known to be pathogenic (PMID: 11719902). This variant is present in population databases (rs775202094, gnomAD 0.006%). This variant has not been reported in the literature in individuals affected with TMPRSS15-related conditions. ClinVar contains an entry for this variant (Variation ID: 2119439). For these reasons, this variant has been classified as Pathogenic.

Literature cited by the submitters: PubMed 11719902.

NM_002772.3(TMPRSS15):c.1492del (p.Thr498fs)

Gene: TMPRSS15 (transmembrane serine protease 15; minus strand). Cytogenetic location: 21q21.1.
Variant type: Deletion.
Coding change: c.1492del on transcript NM_002772.3 (MANE Select); coding-DNA position 1492, one base deleted (A; older notation c.1492delA).
Protein change: p.Thr498fs; shifts the reading frame from threonine 498.
Molecular consequence: frameshift variant.
Genome position (GRCh38, 1-based): chr21:18,341,485, T deleted on the plus strand (A on the coding strand, the reverse complement: TMPRSS15 is on the minus strand); the first of 2 consecutive T bases (chr21:18,341,485-18,341,486); deleting either gives the same sequence. VCF-style (leftmost placement, unchanged base first): chr21-18341484-GT-G. GRCh37 (hg19) VCF-style: chr21-19713801-GT-G.
Other names: short protein forms T498fs.
Identifiers: ClinVar variation 2119439 (VCV002119439.4), dbSNP rs775202094, ClinGen allele CA9984406.